The following is an entry in ClinVar:

ClinVar aggregate classification (germline): Uncertain significance (1 of 4 stars; one submission).

gnomAD v4.1: 2 of 395,210 alleles (0.00051%); highest among the groups gnomAD compares: South Asian, 0.011%; no homozygotes.

Submission:

GeneDx
Classification: Uncertain significance. Last evaluated: 2024-10-25. Review status: criteria provided, single submitter. Criteria: GeneDx Variant Classification Process June 2021. Collection method: clinical testing. Allele origin: germline. Affected: yes.
Comment: Not observed at significant frequency in large population cohorts (gnomAD); In silico analysis indicates that this missense variant does not alter protein structure/function; Has not been previously published as pathogenic or benign to our knowledge

NM_001042681.2(RERE):c.3081G>T (p.Gln1027His)

Gene: RERE (arginine-glutamic acid dipeptide repeats; minus strand). Cytogenetic location: 1p36.23.
Variant type: single nucleotide variant.
Coding change: c.3081G>T on transcript NM_001042681.2 (MANE Select); coding-DNA position 3081, G replaced by T.
Protein change: p.Gln1027His; replaces glutamine 1027 with histidine.
Molecular consequence: missense variant.
Genome position (GRCh38, 1-based): chr1:8,360,426, C>A on the plus strand (G>T on the coding strand, the complement: RERE is on the minus strand). VCF-style: chr1-8360426-C-A. GRCh37 (hg19) VCF-style: chr1-8420486-C-A.
Other names: c.1419G>T, p.Gln473His (NM_001042682.2); c.3081G>T, p.Gln1027His (NM_012102.4); short protein forms Q1027H, Q473H.
Identifiers: ClinVar variation 3893457 (VCV003893457.1).